The following is an entry in ClinVar:

NM_001378454.1(ALMS1):c.10130A>G (p.Lys3377Arg)

Gene: ALMS1 (ALMS1 centrosome and basal body associated protein; plus strand). Cytogenetic location: 2p13.1.
Variant type: single nucleotide variant.
Coding change: c.10130A>G on transcript NM_001378454.1 (MANE Select); coding-DNA position 10130, A replaced by G.
Protein change: p.Lys3377Arg; replaces lysine 3377 with arginine.
Molecular consequence: missense variant.
Genome position (GRCh38, 1-based): chr2:73,557,271, A>G. VCF-style: chr2-73557271-A-G. GRCh37 (hg19) VCF-style: chr2-73784398-A-G.
Other names: c.10133A>G, p.Lys3378Arg (NM_015120.4); short protein forms K3378R, K3377R.
Identifiers: ClinVar variation 1735424 (VCV001735424.3), dbSNP rs750953341, ClinGen allele CA1714888.
Genomic context (GRCh38, chr2:73,557,271, plus strand): 5'-TTATTCCAGATGCCTCAGTTCAAGTGCTAATCACTGGGGATGAGAACCTCTCAGACAAAA[A>G]ACAGCAAGAGATTCACAGTACAAGGGCAGTGACTGAGGCTGCCCAGGCTAAAGAAAAAGA-3'
Protein context (NP_001365383.1, residues 3367-3387): ITGDENLSDK[Lys3377Arg]QQEIHSTRAV

ClinVar aggregate classification (germline): Uncertain significance. Review status: criteria provided, multiple submitters, no conflicts (2 of 4 stars). 2 submissions from 2 submitters: Uncertain significance (2). Last evaluated 2024-05-16.

Conditions:
Cardiovascular phenotype. Identifiers: MedGen CN230736.

Allele frequency attached by ClinVar (database versions not stated): ExAC 0.00001; TOPMed 0.00001.
gnomAD v4.1: 2 of 1,614,162 alleles (0.00012%); highest among the groups gnomAD compares: African/African-American, 0.0027%; no homozygotes.

Submissions (2):

GeneDx
Classification: Uncertain significance. Last evaluated: 2024-05-16. Review status: criteria provided, single submitter. Criteria: GeneDx Variant Classification Process June 2021. Collection method: clinical testing. Allele origin: germline. Affected: yes.
Comment: Not observed at significant frequency in large population cohorts (gnomAD); In silico analysis supports that this missense variant has a deleterious effect on protein structure/function; Has not been previously published as pathogenic or benign to our knowledge

Ambry Genetics
Classification: Uncertain significance for Cardiovascular phenotype. Last evaluated: 2021-04-08. Review status: criteria provided, single submitter. Criteria: Ambry Variant Classification Scheme 2023. Collection method: clinical testing. Allele origin: germline.
Comment: The p.K3378R variant (also known as c.10133A>G), located in coding exon 14 of the ALMS1 gene, results from an A to G substitution at nucleotide position 10133. The lysine at codon 3378 is replaced by arginine, an amino acid with highly similar properties. This amino acid position is not well conserved in available vertebrate species. In addition, this alteration is predicted to be tolerated by in silico analysis. Since supporting evidence is limited at this time, the clinical significance of this alteration remains unclear.